The following is an entry in ClinVar:

ClinVar aggregate classification (germline): Pathogenic/Likely pathogenic. Review status: criteria provided, multiple submitters, no conflicts (2 of 4 stars). 3 submissions from 3 submitters: Pathogenic (1); Likely pathogenic (1). 1 of the submissions does not count toward it. Last evaluated 2024-01-31.

Conditions:
Foveal hypoplasia 2 and optic nerve misrouting with or without anterior segment dysgenesis. Identifiers: MedGen C4017389.
Foveal hypoplasia - optic nerve decussation defect - anterior segment dysgenesis syndrome. Also called: FOVEAL HYPOPLASIA 2 WITH OR WITHOUT OPTIC NERVE MISROUTING AND/OR ANTERIOR SEGMENT DYSGENESIS; FOVEAL HYPOPLASIA 2 WITH OR WITHOUT MICROPHTHALMIA OR COLOBOMA; Foveal hypoplasia 2; FOVEAL HYPOPLASIA 2 WITH OPTIC NERVE DECUSSATION DEFECTS AND ANTERIOR SEGMENT DYSGENESIS WITHOUT ALBINISM. Identifiers: Orphanet 397618, MedGen C3807873, MONDO:0012216, OMIM 609218.

Allele frequency attached by ClinVar (database versions not stated): ExAC 0.00001; gnomAD 0.00001; gnomAD exomes 0.00001; TOPMed 0.00001; ESP Exome Variant Server 0.00008.

Submissions (3):

Labcorp Genetics (formerly Invitae), Labcorp
Classification: Pathogenic. Last evaluated: 2024-01-31. Review status: criteria provided, single submitter. Criteria: Invitae Variant Classification Sherloc (09022015). Collection method: clinical testing. Allele origin: germline.
Comment: This sequence change creates a premature translational stop signal (p.Gln200*) in the SLC38A8 gene. It is expected to result in an absent or disrupted protein product. Loss-of-function variants in SLC38A8 are known to be pathogenic (PMID: 24290379). This variant is present in population databases (rs149592537, gnomAD 0.003%). This premature translational stop signal has been observed in individual(s) with clinical features of SLC38A8-related conditions (PMID: 24290379, 35029636). ClinVar contains an entry for this variant (Variation ID: 125447). Algorithms developed to predict the effect of sequence changes on RNA splicing suggest that this variant may disrupt the consensus splice site. For these reasons, this variant has been classified as Pathogenic.

Fulgent Genetics
Classification: Likely pathogenic for Foveal hypoplasia - optic nerve decussation defect - anterior segment dysgenesis syndrome. Last evaluated: 2022-03-23. Review status: criteria provided, single submitter. Criteria: ACMG Guidelines, 2015. Collection method: clinical testing. Allele origin: unknown.

OMIM
Classification: Pathogenic for FOVEAL HYPOPLASIA 2 AND OPTIC NERVE MISROUTING WITH OR WITHOUT ANTERIOR SEGMENT DYSGENESIS. Last evaluated: 2013-12-05. Review status: no assertion criteria provided. Collection method: literature only. Allele origin: germline. Not counted in ClinVar's aggregate classification.

Literature cited by the submitters: PubMed 24290379 (cited by Labcorp Genetics (formerly Invitae), Labcorp and OMIM); PubMed 35029636 (cited by Labcorp Genetics (formerly Invitae), Labcorp).

NM_001080442.3(SLC38A8):c.598C>T (p.Gln200Ter)

Gene: SLC38A8 (solute carrier family 38 member 8; minus strand). Cytogenetic location: 16q23.3.
Variant type: single nucleotide variant.
Coding change: c.598C>T on transcript NM_001080442.3 (MANE Select); coding-DNA position 598, C replaced by T.
Protein change: p.Gln200Ter; replaces glutamine 200 with a stop codon.
Molecular consequence: nonsense.
Genome position (GRCh38, 1-based): chr16:84,031,901, G>A on the plus strand (C>T on the coding strand, the complement: SLC38A8 is on the minus strand). VCF-style: chr16-84031901-G-A. GRCh37 (hg19) VCF-style: chr16-84065506-G-A.
Other names: short protein forms Q200*.
Identifiers: ClinVar variation 125447 (VCV000125447.5), dbSNP rs149592537, ClinGen allele CA150839.